The following is an entry in ClinVar:

ClinVar aggregate classification (germline): Uncertain significance (1 of 4 stars; one submission).

Conditions:
Congenital adrenal hyperplasia due to cytochrome P450 oxidoreductase deficiency. Also called: DISORDERED STEROIDOGENESIS DUE TO POR DEFICIENCY. Identifiers: Orphanet 95699, MedGen C1860042, MONDO:0013310, OMIM 613571.

Allele frequency attached by ClinVar (database versions not stated): gnomAD exomes 0.00003 and 0.00005; TOPMed 0.00003; ExAC 0.00005.
gnomAD v4.1: 17 of 1,612,836 alleles (0.0011%); highest among the groups gnomAD compares: Admixed American, 0.028%; no homozygotes.

Submission:

Labcorp Genetics (formerly Invitae), Labcorp
Classification: Uncertain significance for Congenital adrenal hyperplasia due to cytochrome P450 oxidoreductase deficiency. Last evaluated: 2022-06-20. Review status: criteria provided, single submitter. Criteria: Invitae Variant Classification Sherloc (09022015). Collection method: clinical testing. Allele origin: germline.
Comment: This sequence change replaces lysine, which is basic and polar, with arginine, which is basic and polar, at codon 49 of the POR protein (p.Lys49Arg). This variant is present in population databases (rs782289780, gnomAD 0.04%). This variant has not been reported in the literature in individuals affected with POR-related conditions. Algorithms developed to predict the effect of missense changes on protein structure and function (SIFT, PolyPhen-2, Align-GVGD) all suggest that this variant is likely to be tolerated. Algorithms developed to predict the effect of sequence changes on RNA splicing suggest that this variant may create or strengthen a splice site. In summary, the available evidence is currently insufficient to determine the role of this variant in disease. Therefore, it has been classified as a Variant of Uncertain Significance.

NM_001395413.1(POR):c.137A>G (p.Lys46Arg)

Gene: POR (cytochrome p450 oxidoreductase; plus strand). Cytogenetic location: 7q11.23.
Variant type: single nucleotide variant.
Coding change: c.137A>G on transcript NM_001395413.1 (MANE Select); coding-DNA position 137, A replaced by G.
Protein change: p.Lys46Arg; replaces lysine 46 with arginine.
Molecular consequence: missense variant.
Genome position (GRCh38, 1-based): chr7:75,954,138, A>G. VCF-style: chr7-75954138-A-G. GRCh37 (hg19) VCF-style: chr7-75583456-A-G.
Other names: c.137A>G, p.Lys46Arg (NM_001382655.3, NM_001382657.2, NM_001382658.3 and 3 more transcripts); short protein forms K46R.
Identifiers: ClinVar variation 1439232 (VCV001439232.3), dbSNP rs782289780, ClinGen allele CA4303458.